The following is an entry in ClinVar:

NM_002439.5(MSH3):c.940G>A (p.Ala314Thr)

Genes: MSH3 (mutS homolog 3; plus strand), LOC126807437 (MED14-independent group 3 enhancer GRCh37_chr5:79968379-79969578; plus strand). Cytogenetic location: 5q14.1.
Variant type: single nucleotide variant.
Coding change: c.940G>A on transcript NM_002439.5 (MANE Select); coding-DNA position 940, G replaced by A.
Protein change: p.Ala314Thr; replaces alanine 314 with threonine.
Molecular consequence: missense variant.
Genome position (GRCh38, 1-based): chr5:80,672,771, G>A. VCF-style: chr5-80672771-G-A. GRCh37 (hg19) VCF-style: chr5-79968590-G-A.
Other names: short protein forms A314T.
Identifiers: ClinVar variation 1766879 (VCV001766879.5), dbSNP rs2112814259, ClinGen allele CA360267380.

ClinVar aggregate classification (germline): Uncertain significance. Review status: criteria provided, multiple submitters, no conflicts (2 of 4 stars). 2 submissions from 2 submitters: Uncertain significance (2). Last evaluated 2025-10-07.

Conditions:
Hereditary cancer-predisposing syndrome. Also called: Hereditary Cancer Syndrome; Hereditary neoplastic syndrome; Neoplastic Syndromes, Hereditary; Tumor predisposition. Identifiers: Orphanet 140162, MedGen C0027672, MeSH D009386, MONDO:0015356.

Submissions (2):

Labcorp Genetics (formerly Invitae), Labcorp
Classification: Uncertain significance. Last evaluated: 2025-10-07. Review status: criteria provided, single submitter. Criteria: Invitae Variant Classification Sherloc (09022015). Collection method: clinical testing. Allele origin: germline.
Comment: This sequence change replaces alanine, which is neutral and non-polar, with threonine, which is neutral and polar, at codon 314 of the MSH3 protein (p.Ala314Thr). This variant is not present in population databases (gnomAD no frequency). This variant has not been reported in the literature in individuals affected with MSH3-related conditions. ClinVar contains an entry for this variant (Variation ID: 1766879). An algorithm developed to predict the effect of missense changes on protein structure and function (PolyPhen-2) suggests that this variant is likely to be disruptive. In summary, the available evidence is currently insufficient to determine the role of this variant in disease. Therefore, it has been classified as a Variant of Uncertain Significance.

Ambry Genetics
Classification: Uncertain significance for Hereditary cancer-predisposing syndrome. Last evaluated: 2025-07-12. Review status: criteria provided, single submitter. Criteria: Ambry Variant Classification Scheme 2023. Collection method: clinical testing. Allele origin: germline.
Comment: The p.A314T variant (also known as c.940G>A), located in coding exon 6 of the MSH3 gene, results from a G to A substitution at nucleotide position 940. The alanine at codon 314 is replaced by threonine, an amino acid with similar properties. This amino acid position is conserved. In addition, the in silico prediction for this alteration is inconclusive. Since supporting evidence is limited at this time, the clinical significance of this alteration remains unclear.